The following is an entry in ClinVar:

NM_005154.5(USP8):c.2297A>G (p.Asn766Ser)

Gene: USP8 (ubiquitin specific peptidase 8; plus strand). Cytogenetic location: 15q21.2.
Variant type: single nucleotide variant.
Coding change: c.2297A>G on transcript NM_005154.5 (MANE Select); coding-DNA position 2297, A replaced by G.
Protein change: p.Asn766Ser; replaces asparagine 766 with serine.
Molecular consequence: missense variant.
Genome position (GRCh38, 1-based): chr15:50,492,763, A>G. VCF-style: chr15-50492763-A-G. GRCh37 (hg19) VCF-style: chr15-50784960-A-G.
Other names: c.2297A>G, p.Asn766Ser (NM_001128610.3); c.1979A>G, p.Asn660Ser (NM_001283049.2); short protein forms N660S, N766S.
Identifiers: ClinVar variation 936853 (VCV000936853.9), dbSNP rs144130206, ClinGen allele CA7555944.

ClinVar aggregate classification (germline): Uncertain significance (1 of 4 stars; one submission).

Conditions:
Hereditary spastic paraplegia. Also called: Familial spastic paraparesis. Identifiers: Orphanet 685, MedGen C0037773, MONDO:0019064. Disease mechanism: loss of function.

Allele frequency attached by ClinVar (database versions not stated): ExAC 0.00003; gnomAD exomes 0.00004 and 0.00009; gnomAD 0.00006 and 0.00007; TOPMed 0.00006; ESP Exome Variant Server 0.00015.
gnomAD v4.1: 143 of 1,614,000 alleles (0.0089%); highest among the groups gnomAD compares: Non-Finnish European, 0.011%; no homozygotes.

Submission:

Labcorp Genetics (formerly Invitae), Labcorp
Classification: Uncertain significance for Hereditary spastic paraplegia. Last evaluated: 2025-04-28. Review status: criteria provided, single submitter. Criteria: Invitae Variant Classification Sherloc (09022015). Collection method: clinical testing. Allele origin: germline.
Comment: This sequence change replaces asparagine, which is neutral and polar, with serine, which is neutral and polar, at codon 766 of the USP8 protein (p.Asn766Ser). This variant is present in population databases (rs144130206, gnomAD 0.009%). This variant has not been reported in the literature in individuals affected with USP8-related conditions. ClinVar contains an entry for this variant (Variation ID: 936853). An algorithm developed to predict the effect of missense changes on protein structure and function (PolyPhen-2) suggests that this variant is likely to be disruptive. In summary, the available evidence is currently insufficient to determine the role of this variant in disease. Therefore, it has been classified as a Variant of Uncertain Significance.